The following is an entry in ClinVar:

ClinVar aggregate classification (germline): Uncertain significance. Review status: criteria provided, multiple submitters, no conflicts (2 of 4 stars). 2 submissions from 2 submitters: Uncertain significance (2). Last evaluated 2025-10-23.

Conditions:
Immunodeficiency 39 (IMD39). Identifiers: Orphanet 574918, MedGen C4225358, MONDO:0014597, OMIM 616345.

gnomAD v4.1: 11 of 1,598,624 alleles (0.00069%); highest among the groups gnomAD compares: Admixed American, 0.005%; no homozygotes.

Submissions (2):

Ambry Genetics
Classification: Uncertain significance. Last evaluated: 2025-10-23. Review status: criteria provided, single submitter. Criteria: Ambry Variant Classification Scheme 2023. Collection method: clinical testing. Allele origin: germline.

Labcorp Genetics (formerly Invitae), Labcorp
Classification: Uncertain significance for Immunodeficiency 39. Last evaluated: 2025-10-21. Review status: criteria provided, single submitter. Criteria: Invitae Variant Classification Sherloc (09022015). Collection method: clinical testing. Allele origin: germline.
Comment: This sequence change replaces serine, which is neutral and polar, with arginine, which is basic and polar, at codon 66 of the IRF7 protein (p.Ser66Arg). The frequency data for this variant in the population databases is considered unreliable, as metrics indicate poor data quality at this position in the gnomAD database. This variant has not been reported in the literature in individuals affected with IRF7-related conditions. ClinVar contains an entry for this variant (Variation ID: 2892081). Invitae Evidence Modeling of protein sequence and biophysical properties (such as structural, functional, and spatial information, amino acid conservation, physicochemical variation, residue mobility, and thermodynamic stability) indicates that this missense variant is not expected to disrupt IRF7 protein function with a negative predictive value of 80%. In summary, the available evidence is currently insufficient to determine the role of this variant in disease. Therefore, it has been classified as a Variant of Uncertain Significance.

NM_001572.5(IRF7):c.159C>A (p.Ser53Arg)

Gene: IRF7 (interferon regulatory factor 7; minus strand). Cytogenetic location: 11p15.5.
Variant type: single nucleotide variant.
Coding change: c.159C>A on transcript NM_001572.5 (MANE Select); coding-DNA position 159, C replaced by A.
Protein change: p.Ser53Arg; replaces serine 53 with arginine.
Molecular consequence: missense variant.
Genome position (GRCh38, 1-based): chr11:615,121, G>T on the plus strand (C>A on the coding strand, the complement: IRF7 is on the minus strand). VCF-style: chr11-615121-G-T. GRCh37 (hg19) VCF-style: chr11-615121-G-T.
Other names: c.159C>A, p.Ser53Arg (NM_004029.4); c.198C>A, p.Ser66Arg (NM_004031.4); c.198C>A (NM_004031.2); short protein forms S53R, S66R.
Identifiers: ClinVar variation 2892081 (VCV002892081.4), dbSNP rs561433488, ClinGen allele CA5784084.